The following is an entry in ClinVar:

ClinVar aggregate classification (germline): Pathogenic/Likely pathogenic. Review status: criteria provided, multiple submitters, no conflicts (2 of 4 stars). 6 submissions from 6 submitters: Pathogenic (4); Likely pathogenic (1). 1 of the submissions does not count toward it. Last evaluated 2026-03-17.

Conditions:
TSHB-related disorder. Also called: TSHB-related condition.
Isolated thyroid-stimulating hormone deficiency. Also called: PITUITARY CRETINISM; Hypothryoidism, congenital, nongoitrous 4; THYROID-STIMULATING HORMONE DEFICIENCY; THYROTROPIN DEFICIENCY, ISOLATED; TSH DEFICIENCY; Thyroid-stimulating hormone, deficiency of. Identifiers: Orphanet 90674, MedGen C0271789, MONDO:0010139, OMIM 275100.

Allele frequency attached by ClinVar (database versions not stated): ExAC 0.00002; gnomAD 0.00002 and 0.00003; gnomAD exomes 0.00002; TOPMed 0.00002.

Submissions (6):

PreventionGenetics, part of Exact Sciences
Classification: Pathogenic for TSHB-related condition. Last evaluated: 2026-03-17. Review status: criteria provided, single submitter. Criteria: ACMG Guidelines, 2015. Collection method: clinical testing. Allele origin: germline.
Comment: The TSHB c.205C>T variant is predicted to result in premature protein termination (p.Gln69*). This variant, also referred to as Q49X, has been reported in the homozygous or compound heterozygous state in individuals with hypothyroidism (Bonomi et al. 2001. PubMed ID: 11297590; Karges et al. 2004. PubMed ID: 15297803). This variant is reported in 0.0039% of alleles in individuals of European (Non-Finnish) descent in gnomAD. Nonsense variants in TSHB are expected to be pathogenic, and this variant has been classified as pathogenic or likely pathogenic by multiple independent submitters to the ClinVar database (Variation ID: 12687). Given the evidence, we interpret this variant as pathogenic.

Labcorp Genetics (formerly Invitae), Labcorp
Classification: Pathogenic. Last evaluated: 2023-12-13. Review status: criteria provided, single submitter. Criteria: Invitae Variant Classification Sherloc (09022015). Collection method: clinical testing. Allele origin: germline.
Comment: This sequence change creates a premature translational stop signal (p.Gln69*) in the TSHB gene. While this is not anticipated to result in nonsense mediated decay, it is expected to disrupt the last 70 amino acid(s) of the TSHB protein. This variant is present in population databases (rs121918670, gnomAD 0.004%). This premature translational stop signal has been observed in individuals with congenital hypothyroidism (PMID: 11297590, 11549695, 15297803). It has also been observed to segregate with disease in related individuals. This variant is also known as p.Q49X. ClinVar contains an entry for this variant (Variation ID: 12687). This variant disrupts a region of the TSHB protein in which other variant(s) (p.Cys125Valfs*10) have been determined to be pathogenic (PMID: 8636437, 15297803, 22606512, 27362444, 31166470). This suggests that this is a clinically significant region of the protein, and that variants that disrupt it are likely to be disease-causing. For these reasons, this variant has been classified as Pathogenic.

3billion
Classification: Pathogenic for Isolated thyroid-stimulating hormone deficiency. Last evaluated: 2022-05-22. Review status: criteria provided, single submitter. Criteria: ACMG Guidelines, 2015. Collection method: clinical testing. Allele origin: germline. Affected: yes. Observed: 1 homozygote.
Comment: The variant is observed at an extremely low frequency in the gnomAD v2.1.1 dataset (total allele frequency: 0.002%). Stop-gained (nonsense): predicted to result in a loss or disruption of normal protein function through protein truncation. Multiple pathogenic variants are reported in the predicted truncated region. The variant has been reported to co-segregate with the disease in at least one similarly affected relative/individual in the same family or similarly affected unrelated family (PMID:11549695). The variant has been reported at least twice as pathogenic without evidence for the classification (ClinVar ID: VCV000012687 / PMID: 11297590). Therefore, this variant is classified as pathogenic according to the recommendation of ACMG/AMP guideline.

Revvity Omics, Revvity
Classification: Pathogenic for Isolated thyroid-stimulating hormone deficiency. Last evaluated: 2021-12-24. Review status: criteria provided, single submitter. Criteria: ACMG Guidelines, 2015. Collection method: clinical testing. Allele origin: germline.

Illumina Laboratory Services, Illumina
Classification: Likely pathogenic for Isolated thyroid-stimulating hormone deficiency. Last evaluated: 2019-01-12. Review status: criteria provided, single submitter. Criteria: ICSL Variant Classification Criteria 09 May 2019. Collection method: clinical testing. Allele origin: germline.
Comment: The TSHB c.205C>T (p.Gln69Ter) variant is a stop-gained variant predicted to result in premature termination of the protein. The p.Gln69Ter variant is described in two studies in which it is detected in a homozygous state in three individuals from two families with congenital hypothyroidism, two of whom are related (Bonomi et al. 2001; Vuissoz et al. 2001). The variant was also detected in a heterozygous state in both sets of parents and three unaffected siblings. Control data are unavailable for the p.Gln69Ter variant which is reported at a frequency of 0.000039 in the European (non-Finnish) population of the Genome Aggregation Database. Serum-TSH was extremely low in the affected homozygotes and stimulation with TRH failed to induce a TSH release. The p.Gln69Ter variant is predicted to result in a peptide lacking at least 50% of the C-terminal region of the protein. The truncated peptide does not contain the seat belt region of the protein, a region critical for the dimerization with the alpha-subunit and hence for the correct secretion of the mature TSH heterodimer. Based on the evidence, the p.Gln69Ter variant is classified as likely pathogenic for congenital hypothyroidism. This variant was observed by ICSL as part of a predisposition screen in an ostensibly healthy population.

OMIM
Classification: Pathogenic for HYPOTHYROIDISM, CONGENITAL, NONGOITROUS, 4. Last evaluated: 2001-09-01. Review status: no assertion criteria provided. Collection method: literature only. Allele origin: germline. Not counted in ClinVar's aggregate classification.

Literature cited by the submitters: PubMed 11297590 (cited by 3 submitters); PubMed 11549695 (cited by 4 submitters); PubMed 15297803 (cited by Labcorp Genetics (formerly Invitae), Labcorp); PubMed 8636437 (cited by Labcorp Genetics (formerly Invitae), Labcorp); PubMed 22606512 (cited by Labcorp Genetics (formerly Invitae), Labcorp); PubMed 27362444 (cited by Labcorp Genetics (formerly Invitae), Labcorp); PubMed 31166470 (cited by Labcorp Genetics (formerly Invitae), Labcorp); Bonomi, M., Proverbio, M. C., Weber, G., Chiumello, G., Beck-Peccoz, P., Persani, L. Hyperplastic pituitary gland, high serum glycoprotein hormone alpha-subunit, and variable circulating thyrotropin (TSH) levels as hallmark of central hypothyroidism due to mutations of the TSH-beta gene. J. Clin. Endocr. Metab. 86: 1600-1604, 2001. (cited by OMIM).

NM_000549.5(TSHB):c.205C>T (p.Gln69Ter)

Gene: TSHB (thyroid stimulating hormone subunit beta; plus strand). Cytogenetic location: 1p13.2.
Variant type: single nucleotide variant.
Coding change: c.205C>T on transcript NM_000549.5 (MANE Select); coding-DNA position 205, C replaced by T.
Protein change: p.Gln69Ter; replaces glutamine 69 with a stop codon.
Molecular consequence: nonsense.
Genome position (GRCh38, 1-based): chr1:115,034,015, C>T. VCF-style: chr1-115034015-C-T. GRCh37 (hg19) VCF-style: chr1-115576636-C-T.
Other names: Q49*; c.70C>T, p.Gln24Ter (NM_001277991.1); short protein forms Q24*, Q69*.
Identifiers: ClinVar variation 12687 (VCV000012687.14), dbSNP rs121918670, ClinGen allele CA122631.